The following is an entry in ClinVar:

ClinVar aggregate classification (germline): Uncertain significance (1 of 4 stars; one submission).

Submission:

GeneDx
Classification: Uncertain significance. Last evaluated: 2025-04-01. Review status: criteria provided, single submitter. Criteria: GeneDx Variant Classification Process June 2021. Collection method: clinical testing. Allele origin: germline. Affected: yes.
Comment: Not observed at significant frequency in large population cohorts (gnomAD); In silico analysis indicates that this missense variant does not alter protein structure/function; Has not been previously published as pathogenic or benign to our knowledge

NM_020922.5(WNK3):c.4999A>C (p.Ile1667Leu)

Gene: WNK3 (WNK lysine deficient protein kinase 3; minus strand). Cytogenetic location: Xp11.22.
Variant type: single nucleotide variant.
Coding change: c.4999A>C on transcript NM_020922.5 (MANE Select); coding-DNA position 4999, A replaced by C.
Protein change: p.Ile1667Leu; replaces isoleucine 1667 with leucine.
Molecular consequence: missense variant.
Genome position (GRCh38, 1-based): chrX:54,202,065, T>G on the plus strand (A>C on the coding strand, the complement: WNK3 is on the minus strand). VCF-style: chrX-54202065-T-G. GRCh37 (hg19) VCF-style: chrX-54228498-T-G.
Other names: c.4828A>C, p.Ile1610Leu (NM_001002838.4, NM_001395166.1); short protein forms I1610L, I1667L.
Identifiers: ClinVar variation 2582017 (VCV002582017.2), dbSNP rs782819287, ClinGen allele CA413334498.
Genomic context (GRCh38, chrX:54,202,065, plus strand): 5'-TCCAGTTTTCTGTCTCTAGTTTGTGTTGACTTTGTTTAAGTTGGTTTAAACTTGGCTTAA[T>G]AAGAGAATTTCCTACTGCTTCCTTTGTCCAGTCATCCACCAGCTTGTGTAAGTCATCTGT-3'
Protein context (NP_065973.2, residues 1657-1677): WTKEAVGNSL[Ile1667Leu]KPSLNQLKQS